The following is an entry in ClinVar:

ClinVar aggregate classification (germline): Uncertain significance (1 of 4 stars; one submission).

Conditions:
Cardiovascular phenotype. Identifiers: MedGen CN230736.

gnomAD v4.1: 8 of 1,613,956 alleles (0.0005%); highest among the groups gnomAD compares: East Asian, 0.0022%; no homozygotes.

Submission:

Ambry Genetics
Classification: Uncertain significance for Cardiovascular phenotype. Last evaluated: 2025-01-10. Review status: criteria provided, single submitter. Criteria: Ambry Variant Classification Scheme 2023. Collection method: clinical testing. Allele origin: germline.
Comment: The p.D1468N variant (also known as c.4402G>A), located in coding exon 30 of the ABCA1 gene, results from a G to A substitution at nucleotide position 4402. The aspartic acid at codon 1468 is replaced by asparagine, an amino acid with highly similar properties. This amino acid position is conserved. In addition, this alteration is predicted to be tolerated by in silico analysis. Based on the available evidence, the clinical significance of this variant remains unclear.

NM_005502.4(ABCA1):c.4402G>A (p.Asp1468Asn)

Gene: ABCA1 (ATP binding cassette subfamily A member 1; minus strand). Cytogenetic location: 9q31.1.
Variant type: single nucleotide variant.
Coding change: c.4402G>A on transcript NM_005502.4 (MANE Select); coding-DNA position 4402, G replaced by A.
Protein change: p.Asp1468Asn; replaces aspartic acid 1468 with asparagine.
Molecular consequence: missense variant.
Genome position (GRCh38, 1-based): chr9:104,806,303, C>T on the plus strand (G>A on the coding strand, the complement: ABCA1 is on the minus strand). VCF-style: chr9-104806303-C-T. GRCh37 (hg19) VCF-style: chr9-107568584-C-T.
Other names: short protein forms D1468N.
Identifiers: ClinVar variation 3832921 (VCV003832921.1).